The following is an entry in ClinVar:

ClinVar aggregate classification (germline): Likely benign. Review status: criteria provided, multiple submitters, no conflicts (2 of 4 stars). 2 submissions from 2 submitters: Likely benign (2). Last evaluated 2025-03-19.

Conditions:
Juvenile polyposis/hereditary hemorrhagic telangiectasia syndrome (JPHT). Also called: JP/HHT SYNDROME; JUVENILE POLYPOSIS WITH HEREDITARY HEMORRHAGIC TELANGIECTASIA; POLYPOSIS, GENERALIZED JUVENILE, WITH PULMONARY ARTERIOVENOUS MALFORMATION; TELANGIECTASIA, HEREDITARY HEMORRHAGIC, WITH JUVENILE POLYPOSIS COLI; Juvenile Polyposis Syndrome / Hereditary Hemorrhagic Telangiectasia (JPS/HHT). Identifiers: Orphanet 2929, MedGen C1832942, MONDO:0008278, OMIM 175050.
Juvenile polyposis syndrome (JPS). Identifiers: Orphanet 2929, MedGen C0345893, MONDO:0017380, OMIM 174900.

Allele frequency attached by ClinVar (database versions not stated): gnomAD exomes below 0.00001.
gnomAD v4.1: 1 of 1,569,922 alleles (0.000064%); highest among the groups gnomAD compares: Non-Finnish European, 0.000088%; no homozygotes.

Submissions (2):

Myriad Genetics, Inc.
Classification: Likely benign for Juvenile polyposis/hereditary hemorrhagic telangiectasia syndrome. Last evaluated: 2025-03-19. Review status: criteria provided, single submitter. Criteria: Myriad Autosomal Dominant, Autosomal Recessive and X-Linked Classification Criteria (2023). Collection method: clinical testing. Allele origin: unknown.
Comment: This variant is considered likely benign. This variant is intronic and is not expected to impact mRNA splicing.

Labcorp Genetics (formerly Invitae), Labcorp
Classification: Likely benign for Juvenile polyposis syndrome. Last evaluated: 2023-09-03. Review status: criteria provided, single submitter. Criteria: Invitae Variant Classification Sherloc (09022015). Collection method: clinical testing. Allele origin: germline.

NM_005359.6(SMAD4):c.425-7A>G

Gene: SMAD4 (SMAD family member 4; plus strand). Cytogenetic location: 18q21.2.
Variant type: single nucleotide variant.
Coding change: c.425-7A>G on transcript NM_005359.6 (MANE Select); 7 bases into the intron before coding-DNA position 425, A replaced by G.
Molecular consequence: intron variant.
Genome position (GRCh38, 1-based): chr18:51,049,288, A>G. VCF-style: chr18-51049288-A-G. GRCh37 (hg19) VCF-style: chr18-48575658-A-G.
Other names: c.425-7A>G (NM_001407042.1, NM_001407041.1, NM_001407043.1).
Identifiers: ClinVar variation 2722048 (VCV002722048.4), dbSNP rs1444970928, ClinGen allele CA629587079.
Genomic context (GRCh38, chr18:51,049,288, plus strand): 5'-TTTAAATGGAAAATACTTTCATTGTAATGATTAATGTTTCATTTGTTTTCCCCTTTAAAC[A>G]ATTAAGATCTCTCAGGATTAACACTGCAGAGTAATGGTAGGTAATCTGTTTCTTACTACT-3'